The following is an entry in ClinVar:

NM_015178.3(RHOBTB2):c.2098C>T (p.Arg700Cys)

Gene: RHOBTB2 (Rho related BTB domain containing 2; plus strand). Cytogenetic location: 8p21.3.
Variant type: single nucleotide variant.
Coding change: c.2098C>T on transcript NM_015178.3 (MANE Select); coding-DNA position 2098, C replaced by T.
Protein change: p.Arg700Cys; replaces arginine 700 with cysteine.
Molecular consequence: missense variant.
Genome position (GRCh38, 1-based): chr8:23,017,383, C>T. VCF-style: chr8-23017383-C-T. GRCh37 (hg19) VCF-style: chr8-22874896-C-T.
Other names: c.2164C>T (NM_001160036.1); c.2164C>T, p.Arg722Cys (NM_001160036.2); c.2119C>T, p.Arg707Cys (NM_001160037.2); c.2098C>T, p.Arg700Cys (NM_001374791.1); short protein forms R722C, R700C, R707C.
Identifiers: ClinVar variation 1450774 (VCV001450774.7), dbSNP rs370025125, ClinGen allele CA4672863.

ClinVar aggregate classification (germline): Conflicting classifications of pathogenicity. Review status: criteria provided, conflicting classifications (1 of 4 stars). 2 submissions from 2 submitters: Uncertain significance (1); Likely benign (1). Last evaluated 2025-09-10.

Conditions:
Inborn genetic diseases. Identifiers: MedGen C0950123, MeSH D030342.

Allele frequency attached by ClinVar (database versions not stated): gnomAD exomes 0.00001 and 0.00002; ExAC 0.00003; gnomAD 0.00007 and 0.00009; ESP Exome Variant Server 0.00008; TOPMed 0.00010.
gnomAD v4.1: 26 of 1,614,042 alleles (0.0016%); highest among the groups gnomAD compares: African/African-American, 0.029%; no homozygotes.

Submissions (2):

Ambry Genetics
Classification: Likely benign for Inborn genetic diseases. Last evaluated: 2025-09-10. Review status: criteria provided, single submitter. Criteria: Ambry Variant Classification Scheme 2023. Collection method: clinical testing. Allele origin: germline.

Labcorp Genetics (formerly Invitae), Labcorp
Classification: Uncertain significance. Last evaluated: 2025-07-28. Review status: criteria provided, single submitter. Criteria: Invitae Variant Classification Sherloc (09022015). Collection method: clinical testing. Allele origin: germline.
Comment: This sequence change replaces arginine, which is basic and polar, with cysteine, which is neutral and slightly polar, at codon 722 of the RHOBTB2 protein (p.Arg722Cys). This variant is present in population databases (rs370025125, gnomAD 0.03%). This variant has not been reported in the literature in individuals affected with RHOBTB2-related conditions. ClinVar contains an entry for this variant (Variation ID: 1450774). Invitae Evidence Modeling of protein sequence and biophysical properties (such as structural, functional, and spatial information, amino acid conservation, physicochemical variation, residue mobility, and thermodynamic stability) indicates that this missense variant is not expected to disrupt RHOBTB2 protein function with a negative predictive value of 80%. In summary, the available evidence is currently insufficient to determine the role of this variant in disease. Therefore, it has been classified as a Variant of Uncertain Significance.